The following is an entry in ClinVar:

NM_007327.4(GRIN1):c.505G>A (p.Asp169Asn)

Gene: GRIN1 (glutamate ionotropic receptor NMDA type subunit 1; plus strand). Cytogenetic location: 9q34.3.
Variant type: single nucleotide variant.
Coding change: c.505G>A on transcript NM_007327.4 (MANE Select); coding-DNA position 505, G replaced by A.
Protein change: p.Asp169Asn; replaces aspartic acid 169 with asparagine.
Molecular consequence: missense variant.
Genome position (GRCh38, 1-based): chr9:137,145,837, G>A. VCF-style: chr9-137145837-G-A. GRCh37 (hg19) VCF-style: chr9-140040289-G-A.
Other names: c.505G>A, p.Asp169Asn (NM_000832.7, NM_001185090.2, NM_001185091.2 and 1 more transcripts); short protein forms D169N.
Identifiers: ClinVar variation 265555 (VCV000265555.9), dbSNP rs886039622, ClinGen allele CA10588473.

ClinVar aggregate classification (germline): Uncertain significance. Review status: criteria provided, multiple submitters, no conflicts (2 of 4 stars). 2 submissions from 2 submitters: Uncertain significance (2). Last evaluated 2024-04-10.

Conditions:
Neurodevelopmental disorder with or without hyperkinetic movements and seizures, autosomal dominant. Also called: Intellectual disability, autosomal dominant 8. Identifiers: MedGen C3280282, MONDO:0013655, OMIM 614254.

Allele frequency attached by ClinVar (database versions not stated): gnomAD exomes 0.00001 and 0.00002; gnomAD 0.00002; TOPMed 0.00002.
gnomAD v4.1: 24 of 1,612,316 alleles (0.0015%); highest among the groups gnomAD compares: South Asian, 0.0066%; no homozygotes.

Submissions (2):

Labcorp Genetics (formerly Invitae), Labcorp
Classification: Uncertain significance for Neurodevelopmental disorder with or without hyperkinetic movements and seizures, autosomal dominant. Last evaluated: 2024-04-10. Review status: criteria provided, single submitter. Criteria: Invitae Variant Classification Sherloc (09022015). Collection method: clinical testing. Allele origin: germline.
Comment: This sequence change replaces aspartic acid, which is acidic and polar, with asparagine, which is neutral and polar, at codon 169 of the GRIN1 protein (p.Asp169Asn). This variant is present in population databases (no rsID available, gnomAD 0.007%). This variant has not been reported in the literature in individuals affected with GRIN1-related conditions. ClinVar contains an entry for this variant (Variation ID: 265555). Advanced modeling of protein sequence and biophysical properties (such as structural, functional, and spatial information, amino acid conservation, physicochemical variation, residue mobility, and thermodynamic stability) has been performed at Invitae for this missense variant, however the output from this modeling did not meet the statistical confidence thresholds required to predict the impact of this variant on GRIN1 protein function. In summary, the available evidence is currently insufficient to determine the role of this variant in disease. Therefore, it has been classified as a Variant of Uncertain Significance.

GeneDx
Classification: Uncertain significance. Last evaluated: 2016-02-22. Review status: criteria provided, single submitter. Criteria: GeneDx Variant Classification (06012015). Collection method: clinical testing. Allele origin: germline. Affected: yes.
Comment: A variant of uncertain significance has been identified in the GRIN1 gene. The D169N variant has not been published as a pathogenic variant, nor has it been reported as a benign variant to our knowledge. It was not observed in approximately 6,500 individuals of European and African American ancestry in the NHLBI Exome Sequencing Project, indicating it is not a common benign variant in these populations. This substitution occurs at a position that is conserved in mammals. In addition, the D169N variant is a semi-conservative amino acid substitution, which may impact secondary protein structure as these residues differ in some properties. However, missense variants in nearby residues have not been reported in the Human Gene Mutation Database in association with GRIN1-related disease. (Stenson et al., 2014) In silico analysis is inconsistent in its predictions as to whether or not the variant is damaging to the protein structure/function. Therefore, based on the currently available information, it is unclear whether this variant is a pathogenic variant or a rare benign variant.